The following is an entry in ClinVar:

NM_001130823.3(DNMT1):c.4112C>G (p.Thr1371Ser)

Gene: DNMT1 (DNA methyltransferase 1; minus strand). Cytogenetic location: 19p13.2.
Variant type: single nucleotide variant.
Coding change: c.4112C>G on transcript NM_001130823.3 (MANE Select); coding-DNA position 4112, C replaced by G.
Protein change: p.Thr1371Ser; replaces threonine 1371 with serine.
Molecular consequence: missense variant.
Genome position (GRCh38, 1-based): chr19:10,138,442, G>C on the plus strand (C>G on the coding strand, the complement: DNMT1 is on the minus strand). VCF-style: chr19-10138442-G-C. GRCh37 (hg19) VCF-style: chr19-10249118-G-C.
Other names: c.4064C>G, p.Thr1355Ser (NM_001318730.2, NM_001379.4); c.3749C>G, p.Thr1250Ser (NM_001318731.2); short protein forms T1250S, T1355S, T1371S.
Identifiers: ClinVar variation 3656422 (VCV003656422.2).
Genomic context (GRCh38, chr19:10,138,442, plus strand): 5'-CCATGAGCTACTGAGGCCTGCTCGGCAGTGTGTGGAGGAGCGACGGGGGCCACCTACCTG[G>C]TTATGTTGCTCACAAACTTCTTGTCATCCACCACCACGCTCAGCTGGCAGGCCCGGGGAG-3'
Protein context (NP_001124295.1, residues 1361-1381): VDDKKFVSNI[Thr1371Ser]RLSSGPFRTI

ClinVar aggregate classification (germline): Uncertain significance (1 of 4 stars; one submission).

Conditions:
Hereditary sensory neuropathy-deafness-dementia syndrome. Also called: NEUROPATHY, HEREDITARY SENSORY, WITH HEARING LOSS AND DEMENTIA; Hereditary Sensory and Autonomic Neuropathy Type 1E (HSAN1E); HSN IE; Hereditary sensory neuropathy type IE. Identifiers: Orphanet 456318, MedGen C3279885, MONDO:0013584, OMIM 614116.

gnomAD v4.1: 5 of 1,613,986 alleles (0.00031%); highest among the groups gnomAD compares: Non-Finnish European, 0.00042%; no homozygotes.

Submission:

Labcorp Genetics (formerly Invitae), Labcorp
Classification: Uncertain significance for Hereditary sensory neuropathy-deafness-dementia syndrome. Last evaluated: 2024-06-12. Review status: criteria provided, single submitter. Criteria: Invitae Variant Classification Sherloc (09022015). Collection method: clinical testing. Allele origin: germline.
Comment: This sequence change replaces threonine, which is neutral and polar, with serine, which is neutral and polar, at codon 1371 of the DNMT1 protein (p.Thr1371Ser). This variant is not present in population databases (gnomAD no frequency). This variant has not been reported in the literature in individuals affected with DNMT1-related conditions. Advanced modeling of protein sequence and biophysical properties (such as structural, functional, and spatial information, amino acid conservation, physicochemical variation, residue mobility, and thermodynamic stability) performed at Invitae indicates that this missense variant is not expected to disrupt DNMT1 protein function with a negative predictive value of 80%. In summary, the available evidence is currently insufficient to determine the role of this variant in disease. Therefore, it has been classified as a Variant of Uncertain Significance.